The following is an entry in ClinVar:

ClinVar aggregate classification (germline): Likely benign (0 of 4 stars; one submission).

Conditions:
MST1R-related disorder. Also called: MST1R-related condition.

Allele frequency attached by ClinVar (database versions not stated): 1000 Genomes Project 0.00020; 1000 Genomes Project 30x 0.00031; TOPMed 0.00057; gnomAD 0.00067; gnomAD exomes 0.00088; ExAC 0.00101; ESP Exome Variant Server 0.00108.
gnomAD v4.1: 1,387 of 1,614,190 alleles (0.086%); highest among the groups gnomAD compares: Non-Finnish European, 0.096%; no homozygotes.

Submission:

PreventionGenetics, part of Exact Sciences
Classification: Likely benign for MST1R-related condition. Last evaluated: 2019-12-16. Review status: no assertion criteria provided. Collection method: clinical testing. Allele origin: germline.
Comment: This variant is classified as likely benign based on ACMG/AMP sequence variant interpretation guidelines (Richards et al. 2015 PMID: 25741868, with internal and published modifications).

NM_002447.4(MST1R):c.2553C>G (p.Gly851=)

Gene: MST1R (macrophage stimulating 1 receptor; minus strand). Cytogenetic location: 3p21.31.
Variant type: single nucleotide variant.
Coding change: c.2553C>G on transcript NM_002447.4 (MANE Select); coding-DNA position 2553, C replaced by G.
Protein change: p.Gly851=; no amino-acid change (glycine 851 retained).
Molecular consequence: synonymous variant. On other transcripts: non-coding transcript variant (1).
Genome position (GRCh38, 1-based): chr3:49,896,291, G>C on the plus strand (C>G on the coding strand, the complement: MST1R is on the minus strand). VCF-style: chr3-49896291-G-C. GRCh37 (hg19) VCF-style: chr3-49933724-G-C.
Other names: c.2553C>G, p.Gly851= (NM_001244937.3); c.2235C>G, p.Gly745= (NM_001318913.2).
Identifiers: ClinVar variation 3048553 (VCV003048553.2), dbSNP rs41291714, ClinGen allele CA2408880.